The following is an entry in ClinVar:

ClinVar aggregate classification (germline): Pathogenic (1 of 4 stars; one submission).

Conditions:
EPILEPSY, CHILDHOOD ABSENCE, SUSCEPTIBILITY TO, 2 (ECA2). Identifiers: Orphanet 64280, MedGen C1843244, OMIM 607681.
Febrile seizures, familial, 8 (FEB8). Also called: CONVULSIONS, FAMILIAL FEBRILE, 8. Identifiers: Orphanet 36387, MedGen C1969810, MONDO:0011891, OMIM 607681.

Submission:

Labcorp Genetics (formerly Invitae), Labcorp
Classification: Pathogenic for Febrile seizures, familial, 8; EPILEPSY, CHILDHOOD ABSENCE, SUSCEPTIBILITY TO, 2. Last evaluated: 2025-04-13. Review status: criteria provided, single submitter. Criteria: Invitae Variant Classification Sherloc (09022015). Collection method: clinical testing. Allele origin: germline.
Comment: This sequence change creates a premature translational stop signal (p.Tyr404*) in the GABRG2 gene. While this is not anticipated to result in nonsense mediated decay, it is expected to disrupt the last 64 amino acid(s) of the GABRG2 protein. This variant is not present in population databases (gnomAD no frequency). This variant has not been reported in the literature in individuals affected with GABRG2-related conditions. ClinVar contains an entry for this variant (Variation ID: 2949001). This variant disrupts a region of the GABRG2 protein in which other variant(s) (p.Trp429*) have been determined to be pathogenic (PMID: 18566737). This suggests that this is a clinically significant region of the protein, and that variants that disrupt it are likely to be disease-causing. For these reasons, this variant has been classified as Pathogenic.

Literature cited by the submitters: PubMed 18566737.

NM_198904.4(GABRG2):c.1236C>A (p.Tyr412Ter)

Gene: GABRG2 (gamma-aminobutyric acid type A receptor subunit gamma2; plus strand). Cytogenetic location: 5q34.
Variant type: single nucleotide variant.
Coding change: c.1236C>A on transcript NM_198904.4 (MANE Select); coding-DNA position 1236, C replaced by A.
Protein change: p.Tyr412Ter; replaces tyrosine 412 with a stop codon.
Molecular consequence: nonsense. On other transcripts: 3 prime UTR variant (1).
Genome position (GRCh38, 1-based): chr5:162,153,176, C>A. VCF-style: chr5-162153176-C-A. GRCh37 (hg19) VCF-style: chr5-161580182-C-A.
Other names: c.1212C>A, p.Tyr404Ter (NM_000816.3); c.1227C>A, p.Tyr409Ter (NM_001375339.1); c.*70C>A (NM_001375340.1); c.1233C>A, p.Tyr411Ter (NM_001375341.1); c.1209C>A, p.Tyr403Ter (NM_001375342.1); c.1332C>A, p.Tyr444Ter (NM_001375343.1); c.1275C>A, p.Tyr425Ter (NM_001375344.1); c.1146C>A, p.Tyr382Ter (NM_001375345.1); and 6 more; short protein forms Y390*, Y404*, Y409*, Y412*, Y425*, Y452*, Y264*, Y309*.
Identifiers: ClinVar variation 2949001 (VCV002949001.3), dbSNP rs749951528, ClinGen allele CA362183505.